The following is an entry in ClinVar:

ClinVar aggregate classification (germline): Uncertain significance (1 of 4 stars; one submission).

Conditions:
Hereditary cancer-predisposing syndrome. Also called: Neoplastic Syndromes, Hereditary; Tumor predisposition; Hereditary neoplastic syndrome; Hereditary Cancer Syndrome. Identifiers: Orphanet 140162, MedGen C0027672, MeSH D009386, MONDO:0015356.

Submission:

Ambry Genetics
Classification: Uncertain significance for Hereditary cancer-predisposing syndrome. Last evaluated: 2026-07-12. Review status: criteria provided, single submitter. Criteria: Ambry Variant Classification Scheme 2023. Collection method: clinical testing. Allele origin: germline.
Comment: The p.L990R variant (also known as c.2969T>G), located in coding exon 14 of the BLM gene, results from a T to G substitution at nucleotide position 2969. The leucine at codon 990 is replaced by arginine, an amino acid with dissimilar properties. This amino acid position is conserved. In addition, this alteration is predicted to be deleterious by in silico analysis. Based on the available evidence, the clinical significance of this variant remains unclear.

NM_000057.4(BLM):c.2969T>G (p.Leu990Arg)

Gene: BLM (BLM RecQ like helicase; plus strand). Cytogenetic location: 15q26.1.
Variant type: single nucleotide variant.
Coding change: c.2969T>G on transcript NM_000057.4 (MANE Select); coding-DNA position 2969, T replaced by G.
Protein change: p.Leu990Arg; replaces leucine 990 with arginine.
Molecular consequence: missense variant.
Genome position (GRCh38, 1-based): chr15:90,790,794, T>G. VCF-style: chr15-90790794-T-G. GRCh37 (hg19) VCF-style: chr15-91334024-T-G.
Other names: c.2969T>G, p.Leu990Arg (NM_001287246.2, NM_001287247.2); c.1844T>G, p.Leu615Arg (NM_001287248.2); short protein forms L615R, L990R.
Identifiers: ClinVar variation 5032903 (VCV005032903.1).